The following is an entry in ClinVar:

ClinVar aggregate classification (germline): Pathogenic (1 of 4 stars; one submission).

Conditions:
Developmental and epileptic encephalopathy, 31A. Also called: Epileptic encephalopathy, early infantile, 31; Developmental and epileptic encephalopathy, 31. Identifiers: Orphanet 2382, MedGen C4225357, MONDO:0014598, OMIM 616346.

Submission:

Labcorp Genetics (formerly Invitae), Labcorp
Classification: Pathogenic for Developmental and epileptic encephalopathy, 31A. Last evaluated: 2024-07-29. Review status: criteria provided, single submitter. Criteria: Invitae Variant Classification Sherloc (09022015). Collection method: clinical testing. Allele origin: germline.
Comment: This sequence change creates a premature translational stop signal (p.Gln766*) in the DNM1 gene. It is expected to result in an absent or disrupted protein product. Loss-of-function variants in DNM1 are known to be pathogenic (PMID: 34172529). This variant is not present in population databases (gnomAD no frequency). This variant has not been reported in the literature in individuals affected with DNM1-related conditions. ClinVar contains an entry for this variant (Variation ID: 1011518). For these reasons, this variant has been classified as Pathogenic.

Literature cited by the submitters: PubMed 34172529.

NM_004408.4(DNM1):c.2296C>T (p.Gln766Ter)

Genes: DNM1 (dynamin 1; plus strand), LOC130002698 (ATAC-STARR-seq lymphoblastoid silent region 20332; plus strand). Cytogenetic location: 9q34.11.
Variant type: single nucleotide variant.
Coding change: c.2296C>T on transcript NM_004408.4 (MANE Select); coding-DNA position 2296, C replaced by T.
Protein change: p.Gln766Ter; replaces glutamine 766 with a stop codon.
Molecular consequence: nonsense.
Genome position (GRCh38, 1-based): chr9:128,250,334, C>T. VCF-style: chr9-128250334-C-T. GRCh37 (hg19) VCF-style: chr9-131012613-C-T.
Other names: c.2296C>T, p.Gln766Ter (NM_001005336.3, NM_001288737.2, NM_001288738.2 and 2 more transcripts); short protein forms Q766*.
Identifiers: ClinVar variation 1011518 (VCV001011518.7), dbSNP rs1829434336, ClinGen allele CA375001292.